The following is an entry in ClinVar:

ClinVar aggregate classification (germline): Uncertain significance. Review status: criteria provided, multiple submitters, no conflicts (2 of 4 stars). 4 submissions from 4 submitters: Uncertain significance (3). 1 of the submissions does not count toward it. Last evaluated 2023-08-24.

Conditions:
GNE myopathy (NM). Also called: INCLUSION BODY MYOPATHY, HEREDITARY, AUTOSOMAL RECESSIVE; INCLUSION BODY MYOPATHY 2, AUTOSOMAL RECESSIVE; IBM 2; Inclusion body myopathy autosomal recessive; Inclusion body myopathy quadriceps sparing; MYOPATHY, DISTAL, WITH OR WITHOUT RIMMED VACUOLES. Identifiers: Orphanet 602, MedGen C1853926, MONDO:0011603, OMIM 605820.
Sialuria. Also called: SIALURIA, FRENCH TYPE; Sialic Acid Storage Disease. Identifiers: Orphanet 3166, MedGen C0342853, MONDO:0010028, OMIM 269921.

Allele frequency attached by ClinVar (database versions not stated): TOPMed below 0.00001; ExAC 0.00002; gnomAD exomes 0.00002.
gnomAD v4.1: 33 of 1,610,808 alleles (0.002%); highest among the groups gnomAD compares: Non-Finnish European, 0.0026%; no homozygotes.

Submissions (4):

Labcorp Genetics (formerly Invitae), Labcorp
Classification: Uncertain significance for Sialuria; GNE myopathy. Last evaluated: 2023-08-24. Review status: criteria provided, single submitter. Criteria: Invitae Variant Classification Sherloc (09022015). Collection method: clinical testing. Allele origin: germline.
Comment: In summary, the available evidence is currently insufficient to determine the role of this variant in disease. Therefore, it has been classified as a Variant of Uncertain Significance. Advanced modeling of protein sequence and biophysical properties (such as structural, functional, and spatial information, amino acid conservation, physicochemical variation, residue mobility, and thermodynamic stability) has been performed at Invitae for this missense variant, however the output from this modeling did not meet the statistical confidence thresholds required to predict the impact of this variant on GNE protein function. ClinVar contains an entry for this variant (Variation ID: 1056569). This variant has not been reported in the literature in individuals affected with GNE-related conditions. This variant is present in population databases (rs769745306, gnomAD 0.004%). This sequence change replaces lysine, which is basic and polar, with threonine, which is neutral and polar, at codon 471 of the GNE protein (p.Lys471Thr).

Revvity Omics, Revvity
Classification: Uncertain significance. Last evaluated: 2022-07-01. Review status: criteria provided, single submitter. Criteria: ACMG Guidelines, 2015. Collection method: clinical testing. Allele origin: germline.

Fulgent Genetics
Classification: Uncertain significance for Sialuria; GNE myopathy. Last evaluated: 2021-07-23. Review status: criteria provided, single submitter. Criteria: ACMG Guidelines, 2015. Collection method: clinical testing. Allele origin: unknown.

Natera, Inc.
Classification: Uncertain significance for Nonaka myopathy. Last evaluated: 2021-03-19. Review status: no assertion criteria provided. Collection method: clinical testing. Allele origin: germline. Not counted in ClinVar's aggregate classification.

NM_005476.7(GNE):c.1319A>C (p.Lys440Thr)

Gene: GNE (glucosamine (UDP-N-acetyl)-2-epimerase/N-acetylmannosamine kinase; minus strand). Cytogenetic location: 9p13.3.
Variant type: single nucleotide variant.
Coding change: c.1319A>C on transcript NM_005476.7 (MANE Select); coding-DNA position 1319, A replaced by C.
Protein change: p.Lys440Thr; replaces lysine 440 with threonine.
Molecular consequence: missense variant.
Genome position (GRCh38, 1-based): chr9:36,223,465, T>G on the plus strand (A>C on the coding strand, the complement: GNE is on the minus strand). VCF-style: chr9-36223465-T-G. GRCh37 (hg19) VCF-style: chr9-36223462-T-G.
Other names: c.1412A>C, p.Lys471Thr (NM_001128227.3); c.1319A>C, p.Lys440Thr (NM_001190383.3); c.989A>C, p.Lys330Thr (NM_001190384.3); c.1142A>C, p.Lys381Thr (NM_001190388.2, NM_001374798.1); c.1166A>C, p.Lys389Thr (NM_001374797.1); short protein forms K330T, K440T, K471T, K381T, K389T.
Identifiers: ClinVar variation 1056569 (VCV001056569.10), dbSNP rs769745306, ClinGen allele CA5056502.